The following is an entry in ClinVar:

ClinVar aggregate classification (germline): Pathogenic (1 of 4 stars; one submission).

Conditions:
Autosomal dominant nonsyndromic hearing loss 22. Also called: DFNA 22; Autosomal dominant nonsyndromic deafness 22. Identifiers: Orphanet 228012, MedGen C2931767, MONDO:0011660, OMIM 606346.

Submission:

Laboratory of Prof. Karen Avraham, Tel Aviv University
Classification: Pathogenic for Autosomal dominant nonsyndromic hearing loss 22. Last evaluated: 2018-05-07. Review status: criteria provided, single submitter. Criteria: ACMG Guidelines, 2015. Collection method: research. Allele origin: germline. Affected: yes.
Comment: Dominant, childhood onset, profound, high tone NSHL

NM_004999.4(MYO6):c.3765del (p.Cys1256fs)

Gene: MYO6 (myosin VI; plus strand). Cytogenetic location: 6q14.1.
Variant type: Deletion.
Coding change: c.3765del on transcript NM_004999.4 (MANE Select); coding-DNA position 3765, one base deleted (C; older notation c.3765delC).
Protein change: p.Cys1256fs; shifts the reading frame from cysteine 1256.
Molecular consequence: frameshift variant. On other transcripts: non-coding transcript variant (1).
Genome position (GRCh38, 1-based): chr6:75,914,919, C deleted. VCF-style (leftmost placement, unchanged base first): chr6-75914918-GC-G. GRCh37 (hg19) VCF-style: chr6-76624635-GC-G.
Other names: c.3696del, p.Cys1233fs (NM_001300899.2); c.3669del, p.Cys1224fs (NM_001368136.1); c.3726del, p.Cys1243fs (NM_001368137.1); c.3681del, p.Cys1228fs (NM_001368138.1); c.3792del, p.Cys1265fs (NM_001368865.1); c.3765del, p.Cys1256fs (NM_001368866.1); short protein forms C1243fs, C1228fs, C1233fs, C1265fs, C1224fs, C1256fs.
Identifiers: ClinVar variation 813826 (VCV000813826.1), dbSNP rs1582024232, ClinGen allele CA915944352.